The following is an entry in ClinVar:

ClinVar aggregate classification (germline): Benign/Likely benign. Review status: criteria provided, multiple submitters, no conflicts (2 of 4 stars). 15 submissions from 9 submitters: Benign (8); Likely benign (6). 1 of the submissions does not count toward it. Last evaluated 2026-04-01.

Conditions:
Marfan syndrome (MFS). Also called: Marfan syndrome type 1; Marfan syndrome, classic; FBN1-Related Marfan Syndrome; Marfan's syndrome; MARFAN SYNDROME, TYPE I. Identifiers: Orphanet 284963, Orphanet 558, MedGen C0024796, MONDO:0007947, OMIM 154700.
Familial thoracic aortic aneurysm and aortic dissection (TAAD). Also called: Thoracic aortic aneurysms and dissections. Identifiers: Orphanet 91387, MedGen C4707243, MONDO:0019625.
Weill-Marchesani syndrome. Also called: WM Syndrome; Mesodermal dysmorphodystrophy congenital. Identifiers: Orphanet 3449, MedGen C0265313, MONDO:0018096.
Acromicric dysplasia (ACMICD). Also called: Acromicric skeletal dysplasia. Identifiers: Orphanet 969, MedGen C0265287, MONDO:0007055, OMIM 102370.
Stiff skin syndrome (SSKS). Identifiers: Orphanet 2833, MedGen C1861456, MONDO:0008492, OMIM 184900.
Ectopia lentis 1, isolated, autosomal dominant (ECTOL1). Identifiers: Orphanet 1885, MedGen C3541518, MONDO:0007514, OMIM 129600.
FBN1-related disorder. Also called: FBN1-related disorders.
Connective tissue disorder. Also called: Connective tissue disease. Identifiers: MedGen C0009782, MONDO:0003900.
Geleophysic dysplasia. Identifiers: Orphanet 2623, MedGen C3489726, MONDO:0000127.

Allele frequency attached by ClinVar (database versions not stated): gnomAD exomes 0.00008 and 0.00015; gnomAD 0.00011 and 0.00012; TOPMed 0.00014; ExAC 0.00015; ESP Exome Variant Server 0.00023.
gnomAD v4.1: 131 of 1,613,578 alleles (0.0081%); highest among the groups gnomAD compares: African/African-American, 0.016%; no homozygotes.

Submissions (15):

CeGaT Center for Human Genetics Tuebingen
Classification: Likely benign. Last evaluated: 2026-04-01. Review status: criteria provided, single submitter. Criteria: CeGaT Center For Human Genetics Tuebingen Variant Classification Criteria Version 2. Collection method: clinical testing. Allele origin: germline. Affected: yes. Observed: 8 variant alleles.
Comment: FBN1: BP4, BP7

Labcorp Genetics (formerly Invitae), Labcorp
Classification: Likely benign for Marfan syndrome; Familial thoracic aortic aneurysm and aortic dissection. Last evaluated: 2025-12-06. Review status: criteria provided, single submitter. Criteria: Invitae Variant Classification Sherloc (09022015). Collection method: clinical testing. Allele origin: germline.

Blueprint Genetics
Classification: Likely benign. Last evaluated: 2024-08-06. Review status: criteria provided, single submitter. Criteria: ACMG Guidelines, 2015. Collection method: clinical testing. Allele origin: germline.

Ambry Genetics
Classification: Likely benign for Familial thoracic aortic aneurysm and aortic dissection. Last evaluated: 2022-05-20. Review status: criteria provided, single submitter. Criteria: Ambry Variant Classification Scheme 2023. Collection method: clinical testing. Allele origin: germline.

GeneDx
Classification: Likely benign. Last evaluated: 2021-03-23. Review status: criteria provided, single submitter. Criteria: GeneDx Variant Classification Process June 2021. Collection method: clinical testing. Allele origin: germline. Affected: yes.

Color Diagnostics, LLC DBA Color Health
Classification: Benign for Familial thoracic aortic aneurysm and aortic dissection. Last evaluated: 2019-03-24. Review status: criteria provided, single submitter. Criteria: ACMG Guidelines, 2015. Collection method: clinical testing. Allele origin: germline.

Illumina Laboratory Services, Illumina
Classification: Benign for Stiff skin syndrome. Last evaluated: 2017-07-25. Review status: criteria provided, single submitter. Criteria: ICSL Variant Classification Criteria 13 December 2019. Collection method: clinical testing. Allele origin: germline.
Comment: This variant was observed as part of a predisposition screen in an ostensibly healthy population. A literature search was performed for the gene, cDNA change, and amino acid change (where applicable). No publications were found based on this search. Allele frequency data from public databases was too high to be consistent with this variant causing disease. Therefore, this variant is classified as benign.

Illumina Laboratory Services, Illumina
Classification: Benign for Familial thoracic aortic aneurysm and aortic dissection. Last evaluated: 2017-07-25. Review status: criteria provided, single submitter. Criteria: ICSL Variant Classification Criteria 13 December 2019. Collection method: clinical testing. Allele origin: germline.
Comment: the same text as in the submission from Illumina Laboratory Services, Illumina above.

Illumina Laboratory Services, Illumina
Classification: Benign for Weill-Marchesani syndrome. Last evaluated: 2017-07-25. Review status: criteria provided, single submitter. Criteria: ICSL Variant Classification Criteria 13 December 2019. Collection method: clinical testing. Allele origin: germline.
Comment: the same text as in the submission from Illumina Laboratory Services, Illumina above.

Illumina Laboratory Services, Illumina
Classification: Benign for Acromicric dysplasia. Last evaluated: 2017-07-25. Review status: criteria provided, single submitter. Criteria: ICSL Variant Classification Criteria 13 December 2019. Collection method: clinical testing. Allele origin: germline.
Comment: the same text as in the submission from Illumina Laboratory Services, Illumina above.

Illumina Laboratory Services, Illumina
Classification: Benign for Geleophysic dysplasia. Last evaluated: 2017-07-25. Review status: criteria provided, single submitter. Criteria: ICSL Variant Classification Criteria 13 December 2019. Collection method: clinical testing. Allele origin: germline.
Comment: the same text as in the submission from Illumina Laboratory Services, Illumina above.

Illumina Laboratory Services, Illumina
Classification: Benign for Ectopia lentis 1, isolated, autosomal dominant. Last evaluated: 2017-07-25. Review status: criteria provided, single submitter. Criteria: ICSL Variant Classification Criteria 13 December 2019. Collection method: clinical testing. Allele origin: germline.
Comment: the same text as in the submission from Illumina Laboratory Services, Illumina above.

Illumina Laboratory Services, Illumina
Classification: Benign for Marfan syndrome. Last evaluated: 2017-07-25. Review status: criteria provided, single submitter. Criteria: ICSL Variant Classification Criteria 13 December 2019. Collection method: clinical testing. Allele origin: germline.
Comment: the same text as in the submission from Illumina Laboratory Services, Illumina above.

Center for Human Genetics, Inc
Classification: Likely benign for Connective tissue disorder. Last evaluated: 2016-11-01. Review status: criteria provided, single submitter. Criteria: ACMG Guidelines, 2015. Collection method: clinical testing. Allele origin: germline. Affected: yes.

PreventionGenetics, part of Exact Sciences
Classification: Likely benign for FBN1-related condition. Last evaluated: 2022-11-03. Review status: no assertion criteria provided. Collection method: clinical testing. Allele origin: germline. Not counted in ClinVar's aggregate classification.
Comment: This variant is classified as likely benign based on ACMG/AMP sequence variant interpretation guidelines (Richards et al. 2015 PMID: 25741868, with internal and published modifications).

NM_000138.5(FBN1):c.6576C>T (p.Cys2192=)

Gene: FBN1 (fibrillin 1; minus strand). Cytogenetic location: 15q21.1.
Variant type: single nucleotide variant.
Coding change: c.6576C>T on transcript NM_000138.5 (MANE Select); coding-DNA position 6576, C replaced by T.
Protein change: p.Cys2192=; no amino-acid change (cysteine 2192 retained).
Molecular consequence: synonymous variant.
Genome position (GRCh38, 1-based): chr15:48,434,634, G>A on the plus strand (C>T on the coding strand, the complement: FBN1 is on the minus strand). VCF-style: chr15-48434634-G-A. GRCh37 (hg19) VCF-style: chr15-48726831-G-A.
Identifiers: ClinVar variation 527223 (VCV000527223.47), dbSNP rs369058466, ClinGen allele CA057003.